The following is an entry in ClinVar:

NM_004453.4(ETFDH):c.1842C>A (p.Tyr614Ter)

Gene: ETFDH (electron transfer flavoprotein dehydrogenase; plus strand). Cytogenetic location: 4q32.1.
Variant type: single nucleotide variant.
Coding change: c.1842C>A on transcript NM_004453.4 (MANE Select); coding-DNA position 1842, C replaced by A.
Protein change: p.Tyr614Ter; replaces tyrosine 614 with a stop codon.
Molecular consequence: nonsense.
Genome position (GRCh38, 1-based): chr4:158,708,515, C>A. VCF-style: chr4-158708515-C-A. GRCh37 (hg19) VCF-style: chr4-159629667-C-A.
Other names: c.1659C>A, p.Tyr553Ter (NM_001281738.1); c.1701C>A, p.Tyr567Ter (NM_001281737.2); short protein forms Y553*, Y567*, Y614*.
Identifiers: ClinVar variation 3609135 (VCV003609135.2).

ClinVar aggregate classification (germline): Pathogenic (1 of 4 stars; one submission).

Conditions:
Multiple acyl-CoA dehydrogenase deficiency (MADD). Also called: Glutaric aciduria, type 2; Glutaric acidemia type II; GA 2; Glutaric Acidemia type 2; ETHYLMALONIC-ADIPICACIDURIA; GA II. Identifiers: Orphanet 26791, MedGen C0268596, MONDO:0009282, OMIM 231680.

gnomAD v4.1: 16 of 1,613,364 alleles (0.00099%); highest among the groups gnomAD compares: Admixed American, 0.0017%; no homozygotes.

Submission:

Labcorp Genetics (formerly Invitae), Labcorp
Classification: Pathogenic for Multiple acyl-CoA dehydrogenase deficiency. Last evaluated: 2025-01-15. Review status: criteria provided, single submitter. Criteria: Invitae Variant Classification Sherloc (09022015). Collection method: clinical testing. Allele origin: germline.
Comment: This sequence change creates a premature translational stop signal (p.Tyr614*) in the ETFDH gene. While this is not anticipated to result in nonsense mediated decay, it is expected to disrupt the last 4 amino acid(s) of the ETFDH protein. This variant is present in population databases (no rsID available, gnomAD 0.0009%). This premature translational stop signal has been observed in individuals with multiple acyl-CoA dehydrogenase deficiency (PMID: 31268564, 31904027). This variant disrupts a region of the ETFDH protein in which other variant(s) (p.Met617Ile) have been determined to be pathogenic (PMID: 35090233). This suggests that this is a clinically significant region of the protein, and that variants that disrupt it are likely to be disease-causing. For these reasons, this variant has been classified as Pathogenic.

Literature cited by the submitters: PubMed 31268564; PubMed 31904027; PubMed 35090233.